The following is an entry in ClinVar:

NM_000264.5(PTCH1):c.1075G>T (p.Ala359Ser)

Gene: PTCH1 (patched 1; minus strand). Cytogenetic location: 9q22.32.
Variant type: single nucleotide variant.
Coding change: c.1075G>T on transcript NM_000264.5 (MANE Select); coding-DNA position 1075, G replaced by T.
Protein change: p.Ala359Ser; replaces alanine 359 with serine.
Molecular consequence: missense variant. On other transcripts: non-coding transcript variant (1).
Genome position (GRCh38, 1-based): chr9:95,479,140, C>A on the plus strand (G>T on the coding strand, the complement: PTCH1 is on the minus strand). VCF-style: chr9-95479140-C-A. GRCh37 (hg19) VCF-style: chr9-98241422-C-A.
Other names: c.877G>T, p.Ala293Ser (NM_001083602.3); c.1072G>T, p.Ala358Ser (NM_001083603.3); c.622G>T, p.Ala208Ser (NM_001083604.3, NM_001083605.3, NM_001083606.3 and 1 more transcripts); c.1075G>T, p.Ala359Ser (NM_001354918.2); short protein forms A293S, A358S, A359S, A208S.
Identifiers: ClinVar variation 3635860 (VCV003635860.2).

ClinVar aggregate classification (germline): Uncertain significance (1 of 4 stars; one submission).

Conditions:
Gorlin syndrome. Also called: Nevoid Basal Cell Carcinoma Syndrome; Basal cell nevus syndrome. Identifiers: Orphanet 377, MedGen C0004779, MONDO:0007187.

Submission:

Labcorp Genetics (formerly Invitae), Labcorp
Classification: Uncertain significance for Gorlin syndrome. Last evaluated: 2024-11-04. Review status: criteria provided, single submitter. Criteria: Invitae Variant Classification Sherloc (09022015). Collection method: clinical testing. Allele origin: germline.
Comment: This sequence change replaces alanine, which is neutral and non-polar, with serine, which is neutral and polar, at codon 359 of the PTCH1 protein (p.Ala359Ser). This variant is not present in population databases (gnomAD no frequency). This variant has not been reported in the literature in individuals affected with PTCH1-related conditions. Invitae Evidence Modeling of protein sequence and biophysical properties (such as structural, functional, and spatial information, amino acid conservation, physicochemical variation, residue mobility, and thermodynamic stability) has been performed for this missense variant. However, the output from this modeling did not meet the statistical confidence thresholds required to predict the impact of this variant on PTCH1 protein function. In summary, the available evidence is currently insufficient to determine the role of this variant in disease. Therefore, it has been classified as a Variant of Uncertain Significance.